The following is an entry in ClinVar:

ClinVar aggregate classification (germline): Uncertain significance. Review status: criteria provided, multiple submitters, no conflicts (2 of 4 stars). 2 submissions from 2 submitters: Uncertain significance (2). Last evaluated 2026-01-07.

Conditions:
TNFRSF6B-related disorder. Also called: TNFRSF6B-related condition.

Allele frequency attached by ClinVar (database versions not stated): ExAC 0.00001; gnomAD 0.00001; gnomAD exomes 0.00001; TOPMed 0.00001.
gnomAD v4.1: 13 of 1,593,540 alleles (0.00082%); highest among the groups gnomAD compares: African/African-American, 0.0027%; no homozygotes.

Submissions (2):

Labcorp Genetics (formerly Invitae), Labcorp
Classification: Uncertain significance. Last evaluated: 2026-01-07. Review status: criteria provided, single submitter. Criteria: Invitae Variant Classification Sherloc (09022015). Collection method: clinical testing. Allele origin: germline.
Comment: This sequence change replaces alanine, which is neutral and non-polar, with threonine, which is neutral and polar, at codon 251 of the TNFRSF6B protein (p.Ala251Thr). The frequency data for this variant in the population databases is considered unreliable, as metrics indicate poor data quality at this position in the gnomAD database. This variant has not been reported in the literature in individuals affected with TNFRSF6B-related conditions. ClinVar contains an entry for this variant (Variation ID: 1525223). An algorithm developed to predict the effect of missense changes on protein structure and function outputs the following: PolyPhen-2: "Benign". The threonine amino acid residue is found in multiple mammalian species, which suggests that this missense change does not adversely affect protein function. In summary, the available evidence is currently insufficient to determine the role of this variant in disease. Therefore, it has been classified as a Variant of Uncertain Significance.

PreventionGenetics, part of Exact Sciences
Classification: Uncertain significance for TNFRSF6B-related condition. Last evaluated: 2025-03-04. Review status: criteria provided, single submitter. Criteria: ACMG Guidelines, 2015. Collection method: clinical testing. Allele origin: germline.
Comment: The TNFRSF6B c.751G>A variant is predicted to result in the amino acid substitution p.Ala251Thr. To our knowledge, this variant has not been reported in the literature. This variant is reported in 0.0058% of alleles in individuals of East Asian descent in gnomAD. At this time, the clinical significance of this variant is uncertain due to the absence of conclusive functional and genetic evidence.

NM_003823.4(TNFRSF6B):c.751G>A (p.Ala251Thr)

Genes: RTEL1-TNFRSF6B (RTEL1-TNFRSF6B readthrough (NMD candidate); plus strand), TNFRSF6B (TNF receptor superfamily member 6b; plus strand). Cytogenetic location: 20q13.33.
Variant type: single nucleotide variant.
Coding change: c.751G>A on transcript NM_003823.4 (MANE Select); coding-DNA position 751, G replaced by A.
Protein change: p.Ala251Thr; replaces alanine 251 with threonine.
Molecular consequence: missense variant. On other transcripts: non-coding transcript variant (1).
Genome position (GRCh38, 1-based): chr20:63,698,411, G>A. VCF-style: chr20-63698411-G-A. GRCh37 (hg19) VCF-style: chr20-62329764-G-A.
Other names: c.751G>A (NM_003823.3); short protein forms A251T.
Identifiers: ClinVar variation 1525223 (VCV001525223.9), dbSNP rs755157676, ClinGen allele CA9966594.